The following is an entry in ClinVar:

NM_001557.4(CXCR2):c.306del (p.Ile103fs)

Gene: CXCR2 (C-X-C motif chemokine receptor 2; plus strand). Cytogenetic location: 2q35.
Variant type: Deletion.
Coding change: c.306del on transcript NM_001557.4 (MANE Select); coding-DNA position 306, one base deleted (C; older notation c.306delC).
Protein change: p.Ile103fs; shifts the reading frame from isoleucine 103.
Molecular consequence: frameshift variant.
Genome position (GRCh38, 1-based): chr2:218,135,107, C deleted; the last of 3 consecutive C bases (chr2:218,135,105-218,135,107); deleting any one gives the same sequence. VCF-style (leftmost placement, unchanged base first): chr2-218135104-GC-G. GRCh37 (hg19) VCF-style: chr2-218999827-GC-G.
Other names: c.306del, p.Ile103fs (NM_001168298.2); short protein forms I103fs.
Identifiers: ClinVar variation 2806228 (VCV002806228.3), dbSNP rs2469114085, ClinGen allele CA2577240886.

ClinVar aggregate classification (germline): Pathogenic (1 of 4 stars; one submission).

Submission:

Labcorp Genetics (formerly Invitae), Labcorp
Classification: Pathogenic. Last evaluated: 2023-10-18. Review status: criteria provided, single submitter. Criteria: Invitae Variant Classification Sherloc (09022015). Collection method: clinical testing. Allele origin: germline.
Comment: This sequence change creates a premature translational stop signal (p.Ile103Serfs*7) in the CXCR2 gene. While this is not anticipated to result in nonsense mediated decay, it is expected to disrupt the last 258 amino acid(s) of the CXCR2 protein. This variant is not present in population databases (gnomAD no frequency). This variant has not been reported in the literature in individuals affected with CXCR2-related conditions. This variant disrupts a region of the CXCR2 protein in which other variant(s) (p.His323Leufs*7) have been determined to be pathogenic (PMID: 24777453). This suggests that this is a clinically significant region of the protein, and that variants that disrupt it are likely to be disease-causing. For these reasons, this variant has been classified as Pathogenic.

Literature cited by the submitters: PubMed 24777453.